The following is an entry in ClinVar:

NM_006766.5(KAT6A):c.602C>T (p.Pro201Leu)

Gene: KAT6A (lysine acetyltransferase 6A; minus strand). Cytogenetic location: 8p11.21.
Variant type: single nucleotide variant.
Coding change: c.602C>T on transcript NM_006766.5 (MANE Select); coding-DNA position 602, C replaced by T.
Protein change: p.Pro201Leu; replaces proline 201 with leucine.
Molecular consequence: missense variant.
Genome position (GRCh38, 1-based): chr8:41,987,562, G>A on the plus strand (C>T on the coding strand, the complement: KAT6A is on the minus strand). VCF-style: chr8-41987562-G-A. GRCh37 (hg19) VCF-style: chr8-41845080-G-A.
Other names: c.602C>T (NM_006766.3); c.602C>T, p.Pro201Leu (NM_001305878.2); short protein forms P201L.
Identifiers: ClinVar variation 2191027 (VCV002191027.5), dbSNP rs1036864611, ClinGen allele CA176306381.
Genomic context (GRCh38, chr8:41,987,562, plus strand): 5'-TCTCGGTTTTGTTCTTTTGTACCAAGACAGAAACTACAGATGGGGATTGGTTCAGCAACC[G>A]GCTGTGAAGAAAAACACAATTCATTCCAGTACTAATACTTTTATTTAGTATTACTACAAA-3'
Protein context (NP_006757.2, residues 191-211): VSLLPHEKDK[Pro201Leu]VAEPIPICSF

ClinVar aggregate classification (germline): Uncertain significance. Review status: criteria provided, multiple submitters, no conflicts (2 of 4 stars). 2 submissions from 2 submitters: Uncertain significance (2). Last evaluated 2025-05-26.

Conditions:
Inborn genetic diseases. Identifiers: MedGen C0950123, MeSH D030342.

Allele frequency attached by ClinVar (database versions not stated): TOPMed 0.00002.

Submissions (2):

Labcorp Genetics (formerly Invitae), Labcorp
Classification: Uncertain significance. Last evaluated: 2025-05-26. Review status: criteria provided, single submitter. Criteria: Invitae Variant Classification Sherloc (09022015). Collection method: clinical testing. Allele origin: germline.
Comment: This sequence change replaces proline, which is neutral and non-polar, with leucine, which is neutral and non-polar, at codon 201 of the KAT6A protein (p.Pro201Leu). This variant is not present in population databases (gnomAD no frequency). This variant has not been reported in the literature in individuals affected with KAT6A-related conditions. ClinVar contains an entry for this variant (Variation ID: 2191027). Invitae Evidence Modeling of protein sequence and biophysical properties (such as structural, functional, and spatial information, amino acid conservation, physicochemical variation, residue mobility, and thermodynamic stability) indicates that this missense variant is not expected to disrupt KAT6A protein function with a negative predictive value of 95%. In summary, the available evidence is currently insufficient to determine the role of this variant in disease. Therefore, it has been classified as a Variant of Uncertain Significance.

Ambry Genetics
Classification: Uncertain significance for Inborn genetic diseases. Last evaluated: 2024-12-10. Review status: criteria provided, single submitter. Criteria: Ambry Variant Classification Scheme 2023. Collection method: clinical testing. Allele origin: germline.